The following is an entry in ClinVar:

NM_014249.4(NR2E3):c.118+1G>T

Gene: NR2E3 (nuclear receptor subfamily 2 group E member 3; plus strand). Cytogenetic location: 15q23.
Variant type: single nucleotide variant.
Coding change: c.118+1G>T on transcript NM_014249.4 (MANE Select); the canonical splice donor site of the intron after coding-DNA position 118, G replaced by T.
Molecular consequence: splice donor variant.
Genome position (GRCh38, 1-based): chr15:71,810,862, G>T. VCF-style: chr15-71810862-G-T. GRCh37 (hg19) VCF-style: chr15-72103202-G-T.
Other names: c.118+1G>T (NM_016346.4).
Identifiers: ClinVar variation 2017502 (VCV002017502.5), dbSNP rs2543252304, ClinGen allele CA393031894.

ClinVar aggregate classification (germline): Likely pathogenic. Review status: criteria provided, multiple submitters, no conflicts (2 of 4 stars). 2 submissions from 2 submitters: Likely pathogenic (2). Last evaluated 2023-08-07.

Conditions:
Enhanced S-cone syndrome (ESCS). Identifiers: Orphanet 53540, MedGen C1849394, MONDO:0100288, MONDO:0009989.

gnomAD v4.1: 1 of 1,552,796 alleles (0.000064%); highest among the groups gnomAD compares: South Asian, 0.0012%; no homozygotes.

Submissions (2):

Labcorp Genetics (formerly Invitae), Labcorp
Classification: Likely pathogenic. Last evaluated: 2023-08-07. Review status: criteria provided, single submitter. Criteria: Invitae Variant Classification Sherloc (09022015). Collection method: clinical testing. Allele origin: germline.
Comment: This sequence change affects a donor splice site in intron 1 of the NR2E3 gene. It is expected to disrupt RNA splicing. Variants that disrupt the donor or acceptor splice site typically lead to a loss of protein function (PMID: 16199547), and loss-of-function variants in NR2E3 are known to be pathogenic (PMID: 15459973, 27522502). In summary, the currently available evidence indicates that the variant is pathogenic, but additional data are needed to prove that conclusively. Therefore, this variant has been classified as Likely Pathogenic. Algorithms developed to predict the effect of sequence changes on RNA splicing suggest that this variant may disrupt the consensus splice site. ClinVar contains an entry for this variant (Variation ID: 2017502). This variant has not been reported in the literature in individuals affected with NR2E3-related conditions. This variant is not present in population databases (gnomAD no frequency).

Baylor Genetics
Classification: Likely pathogenic for ENHANCED S-CONE SYNDROME 1. Last evaluated: 2022-04-07. Review status: criteria provided, single submitter. Criteria: ACMG Guidelines, 2015. Collection method: clinical testing. Allele origin: unknown.

Literature cited by the submitters: PubMed 16199547 (cited by Labcorp Genetics (formerly Invitae), Labcorp); PubMed 15459973 (cited by Labcorp Genetics (formerly Invitae), Labcorp); PubMed 27522502 (cited by Labcorp Genetics (formerly Invitae), Labcorp).